The following is an entry in ClinVar:

ClinVar aggregate classification (germline): Uncertain significance. Review status: criteria provided, multiple submitters, no conflicts (2 of 4 stars). 2 submissions from 2 submitters: Uncertain significance (2). Last evaluated 2022-07-12.

Conditions:
Neuronal ceroid lipofuscinosis. Also called: Neuronal Ceroid Lipofuscinoses. Identifiers: Orphanet 216, Orphanet 79263, MedGen C0027877, MONDO:0016295. Disease mechanism: loss of function.
Inborn genetic diseases. Identifiers: MedGen C0950123, MeSH D030342.

Allele frequency attached by ClinVar (database versions not stated): gnomAD exomes below 0.00001; TOPMed below 0.00001; gnomAD 0.00001.
gnomAD v4.1: 2 of 1,613,942 alleles (0.00012%); highest among the groups gnomAD compares: Admixed American, 0.0017%; no homozygotes.

Submissions (2):

Labcorp Genetics (formerly Invitae), Labcorp
Classification: Uncertain significance for Neuronal ceroid lipofuscinosis. Last evaluated: 2022-07-12. Review status: criteria provided, single submitter. Criteria: Invitae Variant Classification Sherloc (09022015). Collection method: clinical testing. Allele origin: germline.
Comment: This sequence change replaces asparagine, which is neutral and polar, with lysine, which is basic and polar, at codon 262 of the CLN5 protein (p.Asn262Lys). This variant is present in population databases (no rsID available, gnomAD 0.01%). This variant has not been reported in the literature in individuals affected with CLN5-related conditions. ClinVar contains an entry for this variant (Variation ID: 569776). Algorithms developed to predict the effect of missense changes on protein structure and function are either unavailable or do not agree on the potential impact of this missense change (SIFT: "Deleterious"; PolyPhen-2: "Benign"; Align-GVGD: "Class C15"). In summary, the available evidence is currently insufficient to determine the role of this variant in disease. Therefore, it has been classified as a Variant of Uncertain Significance.

Ambry Genetics
Classification: Uncertain significance for Inborn genetic diseases. Last evaluated: 2020-09-30. Review status: criteria provided, single submitter. Criteria: Ambry Variant Classification Scheme 2023. Collection method: clinical testing. Allele origin: germline.
Comment: The p.N262K variant (also known as c.786T>A), located in coding exon 4 of the CLN5 gene, results from a T to A substitution at nucleotide position 786. The asparagine at codon 262 is replaced by lysine, an amino acid with similar properties. This amino acid position is poorly conserved in available vertebrate species. In addition, this alteration is predicted to be tolerated by in silico analysis. Since supporting evidence is limited at this time, the clinical significance of this alteration remains unclear.

NM_006493.4(CLN5):c.639T>A (p.Asn213Lys)

Gene: CLN5 (CLN5 lysosomal BMP synthase; plus strand). Cytogenetic location: 13q22.3.
Variant type: single nucleotide variant.
Coding change: c.639T>A on transcript NM_006493.4 (MANE Select); coding-DNA position 639, T replaced by A.
Protein change: p.Asn213Lys; replaces asparagine 213 with lysine.
Molecular consequence: missense variant. On other transcripts: 3 prime UTR variant (1).
Genome position (GRCh38, 1-based): chr13:77,000,531, T>A. VCF-style: chr13-77000531-T-A. GRCh37 (hg19) VCF-style: chr13-77574666-T-A.
Other names: c.786T>A (LRG_692t1); c.*88T>A (NM_001366624.2); short protein forms N213K.
Identifiers: ClinVar variation 569776 (VCV000569776.10), dbSNP rs1312706135, ClinGen allele CA388311597.